The following is an entry in ClinVar:

ClinVar aggregate classification (germline): Likely benign (1 of 4 stars; one submission).

Conditions:
Catecholaminergic polymorphic ventricular tachycardia (CVPT). Also called: Catecholamine-induced polymorphic ventricular tachycardia. Identifiers: Orphanet 3286, MedGen C5574922, MONDO:0017990.

Submission:

All of Us Research Program, National Institutes of Health
Classification: Likely benign for Catecholaminergic polymorphic ventricular tachycardia. Last evaluated: 2023-03-09. Review status: criteria provided, single submitter. Criteria: ACMG Guidelines, 2015. Collection method: clinical testing. Allele origin: germline. Inheritance: Autosomal dominant inheritance. Observed: 1 variant allele, 1 heterozygote.
Comment: This study involves interpretation of variants in research participants for the purpose of population health screening. Participant phenotype was not available at the time of variant classification. Additional details can be found in publication PMID: 35346344, PMCID: PMC8962531

NM_001035.3(RYR2):c.11963-3C>T

Gene: RYR2 (ryanodine receptor 2; plus strand). Cytogenetic location: 1q43.
Variant type: single nucleotide variant.
Coding change: c.11963-3C>T on transcript NM_001035.3 (MANE Select); 3 bases into the intron before coding-DNA position 11963, C replaced by T.
Molecular consequence: intron variant.
Genome position (GRCh38, 1-based): chr1:237,783,672, C>T. VCF-style: chr1-237783672-C-T. GRCh37 (hg19) VCF-style: chr1-237946972-C-T.
Identifiers: ClinVar variation 3069860 (VCV003069860.1), dbSNP rs1350454684, ClinGen allele CA529913002.